The following is an entry in ClinVar:

NM_001845.6(COL4A1):c.3183_3184delinsAG (p.Leu1062Val)

Gene: COL4A1 (collagen type IV alpha 1 chain; minus strand). Cytogenetic location: 13q34.
Variant type: Indel.
Coding change: c.3183_3184delinsAG on transcript NM_001845.6 (MANE Select); coding-DNA positions 3183 to 3184, GC replaced by AG.
Protein change: p.Leu1062Val; replaces leucine 1062 with valine.
Molecular consequence: missense variant.
Genome position (GRCh38, 1-based): chr13:110,175,232-110,175,233, GC replaced by CT on the plus strand (GC replaced by AG on the coding strand, the reverse complement: COL4A1 is on the minus strand). VCF-style: chr13-110175232-GC-CT. GRCh37 (hg19) VCF-style: chr13-110827579-GC-CT.
Other names: short protein forms L1062V.
Identifiers: ClinVar variation 2062539 (VCV002062539.4), dbSNP rs2501772938, ClinGen allele CA2580087167.

ClinVar aggregate classification (germline): Uncertain significance (1 of 4 stars; one submission).

Submission:

Labcorp Genetics (formerly Invitae), Labcorp
Classification: Uncertain significance. Last evaluated: 2022-05-13. Review status: criteria provided, single submitter. Criteria: Invitae Variant Classification Sherloc (09022015). Collection method: clinical testing. Allele origin: germline.
Comment: This sequence change replaces leucine, which is neutral and non-polar, with valine, which is neutral and non-polar, at codon 1062 of the COL4A1 protein (p.Leu1062Val). Information on the frequency of this variant in the gnomAD database is not available, as this variant may be reported differently in the database. This variant has not been reported in the literature in individuals affected with COL4A1-related conditions. Experimental studies and prediction algorithms are not available or were not evaluated, and the functional significance of this variant is currently unknown. In summary, the available evidence is currently insufficient to determine the role of this variant in disease. Therefore, it has been classified as a Variant of Uncertain Significance.